The following is an entry in ClinVar:

ClinVar aggregate classification (germline): Benign. Review status: criteria provided, multiple submitters, no conflicts (2 of 4 stars). 2 submissions from 2 submitters: Benign (2). Last evaluated 2026-07-01.

Conditions:
Glycogen storage disease, type II (IOPD). Also called: CARDIOMEGALIA GLYCOGENICA DIFFUSA; GLYCOGENOSIS, GENERALIZED, CARDIAC FORM; GSD II; Glycogen storage disease type 2; Acid maltase deficiency disease; Aglucosidase alfa. Identifiers: Orphanet 365, MedGen C0017921, MONDO:0009290, OMIM 232300.

Allele frequency attached by ClinVar (database versions not stated): TOPMed 0.05979; 1000 Genomes Project 0.10304; 1000 Genomes Project 30x 0.10400.
gnomAD v4.1: 9,061 of 152,238 alleles (6%); highest among the groups gnomAD compares: South Asian, 15%; 545 homozygotes.

Submissions (2):

Genomenon, Inc
Classification: Benign for Glycogen storage disease, type II. Last evaluated: 2026-07-01. Review status: criteria provided, single submitter. Criteria: Genomenon Sequence Variant Interpretation Standards - Updated. Collection method: curation. Allele origin: germline. Affected: no.
Comment: GAA c.955+155C>A is an intronic variant located in intron 5. This variant is present at high allele frequency in population databases. We classify GAA c.955+155C>A as a benign variant.

GeneDx
Classification: Benign. Last evaluated: 2018-06-28. Review status: criteria provided, single submitter. Criteria: GeneDx Variant Classification Process June 2021. Collection method: clinical testing. Allele origin: germline. Affected: yes.

NM_000152.5(GAA):c.955+155C>A

Gene: GAA (alpha glucosidase; plus strand). Cytogenetic location: 17q25.3.
Variant type: single nucleotide variant.
Coding change: c.955+155C>A on transcript NM_000152.5 (MANE Select); 155 bases into the intron after coding-DNA position 955, C replaced by A.
Molecular consequence: intron variant.
Genome position (GRCh38, 1-based): chr17:80,108,051, C>A. VCF-style: chr17-80108051-C-A. GRCh37 (hg19) VCF-style: chr17-78081850-C-A.
Other names: c.955+155C>A (NM_001079803.3, NM_001079804.3).
Identifiers: ClinVar variation 1257072 (VCV001257072.3), dbSNP rs9901190, ClinGen allele CA294891536.